The following is an entry in ClinVar:

ClinVar aggregate classification (germline): Uncertain significance (1 of 4 stars; one submission).

Conditions:
Perlman syndrome (PRLMNS). Identifiers: Orphanet 2849, MedGen C0796113, MONDO:0009965, OMIM 267000.

gnomAD v4.1: 172 of 1,323,976 alleles (0.013%); highest among the groups gnomAD compares: Middle Eastern, 0.59%; 1 homozygote.

Submission:

3billion
Classification: Uncertain significance for Perlman syndrome. Last evaluated: 2025-07-24. Review status: criteria provided, single submitter. Criteria: ACMG Guidelines, 2015. Collection method: clinical testing. Allele origin: germline. Affected: yes.
Comment: The variant is observed at an extremely low frequency in the gnomAD v4.1.0 dataset (total allele frequency: 0.013%). Predicted Consequence/Location: Intron variant In silico tools predict the variant to alter splicing and produce an abnormal transcript [SpliceAI: 0.26 (>=0.2, moderate evidence for spliceogenicity)]. Therefore, this variant is classified as VUS according to the recommendation of ACMG/AMP guideline.

NM_152383.5(DIS3L2):c.1924-97C>A

Gene: DIS3L2 (DIS3 like 3'-5' exoribonuclease 2; plus strand). Cytogenetic location: 2q37.1.
Variant type: single nucleotide variant.
Coding change: c.1924-97C>A on transcript NM_152383.5 (MANE Select); 97 bases into the intron before coding-DNA position 1924, C replaced by A.
Molecular consequence: intron variant.
Genome position (GRCh38, 1-based): chr2:232,330,593, C>A. VCF-style: chr2-232330593-C-A. GRCh37 (hg19) VCF-style: chr2-233195303-C-A.
Other names: c.1582-12752C>A (NM_001257281.2).
Identifiers: ClinVar variation 4855818 (VCV004855818.1).